The following is an entry in ClinVar:

NM_058216.3(RAD51C):c.1027-1G>T

Gene: RAD51C (RAD51 paralog C; plus strand). Cytogenetic location: 17q22.
Variant type: single nucleotide variant.
Coding change: c.1027-1G>T on transcript NM_058216.3 (MANE Select); the canonical splice acceptor site of the intron before coding-DNA position 1027, G replaced by T.
Molecular consequence: splice acceptor variant.
Genome position (GRCh38, 1-based): chr17:58,734,117, G>T. VCF-style: chr17-58734117-G-T. GRCh37 (hg19) VCF-style: chr17-56811478-G-T.
Identifiers: ClinVar variation 850759 (VCV000850759.10), dbSNP rs1567818502, ClinGen allele CA400365791.
Genomic context (GRCh38, chr17:58,734,117, plus strand): 5'-TCTAAGATCAGTCTTCAAATGTTCTTAAAGCATATTTGTATATATATTTTTTATCTTTCA[G>T]CCTCAGGGATTTAGAGATACTGTTGTTACTTCTGCATGTTCATTGCAAACAGAAGGTTCC-3'

ClinVar aggregate classification (germline): Uncertain significance (1 of 4 stars; one submission).

Conditions:
Fanconi anemia complementation group O. Also called: RAD51C-Related Fanconi Anemia. Identifiers: Orphanet 84, MedGen C3150653, MONDO:0013248, OMIM 613390.

Submission:

Labcorp Genetics (formerly Invitae), Labcorp
Classification: Uncertain significance for Fanconi anemia complementation group O. Last evaluated: 2023-08-04. Review status: criteria provided, single submitter. Criteria: Invitae Variant Classification Sherloc (09022015). Collection method: clinical testing. Allele origin: germline.
Comment: This variant is not present in population databases (gnomAD no frequency). Disruption of this splice site has been observed in individual(s) with clinical features of RAD51C-related conditions (PMID: 26270727). ClinVar contains an entry for this variant (Variation ID: 850759). Variants that disrupt the consensus splice site are a relatively common cause of aberrant splicing (PMID: 17576681, 9536098). Studies have shown that disruption of this splice site results in the activation of a cryptic splice site in exon 8 (Invitae). In summary, the available evidence is currently insufficient to determine the role of this variant in disease. Therefore, it has been classified as a Variant of Uncertain Significance. This sequence change affects an acceptor splice site in intron 8 of the RAD51C gene. RNA analysis indicates that disruption of this splice site induces altered splicing and likely results in the loss of 2 amino acid residue(s), but is expected to preserve the integrity of the reading-frame.

Literature cited by the submitters: PubMed 26270727; PubMed 17576681; PubMed 9536098.